The following is an entry in ClinVar:

ClinVar aggregate classification (germline): Uncertain significance (1 of 4 stars; one submission).

Conditions:
ALPL-related disorder. Also called: ALPL-related condition; ALPL-related disorders.

Submission:

PreventionGenetics, part of Exact Sciences
Classification: Uncertain significance for ALPL-related condition. Last evaluated: 2025-06-25. Review status: criteria provided, single submitter. Criteria: ACMG Guidelines, 2015. Collection method: clinical testing. Allele origin: germline.
Comment: The ALPL c.1454C>A variant is predicted to result in the amino acid substitution p.Ala485Glu. To our knowledge, this variant has not been reported in the literature or in a large population database (gnomAD), indicating this variant is rare. At this time, the clinical significance of this variant is uncertain due to the absence of conclusive functional and genetic evidence.

NM_000478.6(ALPL):c.1454C>A (p.Ala485Glu)

Gene: ALPL (alkaline phosphatase, biomineralization associated; plus strand). Cytogenetic location: 1p36.12.
Variant type: single nucleotide variant.
Coding change: c.1454C>A on transcript NM_000478.6 (MANE Select); coding-DNA position 1454, C replaced by A.
Protein change: p.Ala485Glu; replaces alanine 485 with glutamic acid.
Molecular consequence: missense variant.
Genome position (GRCh38, 1-based): chr1:21,577,527, C>A. VCF-style: chr1-21577527-C-A. GRCh37 (hg19) VCF-style: chr1-21904020-C-A.
Other names: c.1289C>A, p.Ala430Glu (NM_001127501.4); c.1223C>A, p.Ala408Glu (NM_001177520.3); c.1454C>A, p.Ala485Glu (NM_001369803.2, NM_001369804.2, NM_001369805.2); short protein forms A408E, A485E, A430E.
Identifiers: ClinVar variation 4999350 (VCV004999350.1).